The following is an entry in ClinVar:

NM_006031.6(PCNT):c.350G>C (p.Cys117Ser)

Gene: PCNT (pericentrin; plus strand). Cytogenetic location: 21q22.3.
Variant type: single nucleotide variant.
Coding change: c.350G>C on transcript NM_006031.6 (MANE Select); coding-DNA position 350, G replaced by C.
Protein change: p.Cys117Ser; replaces cysteine 117 with serine.
Molecular consequence: missense variant. On other transcripts: 5 prime UTR variant (1).
Genome position (GRCh38, 1-based): chr21:46,334,479, G>C. VCF-style: chr21-46334479-G-C. GRCh37 (hg19) VCF-style: chr21-47754393-G-C.
Other names: c.-5G>C (NM_001315529.2); c.350G>C (NM_006031.5); short protein forms C117S.
Identifiers: ClinVar variation 2168802 (VCV002168802.7), dbSNP rs544254673, ClinGen allele CA10078227.

ClinVar aggregate classification (germline): Conflicting classifications of pathogenicity. Review status: criteria provided, conflicting classifications (1 of 4 stars). 4 submissions from 4 submitters: Uncertain significance (1); Benign (1); Likely benign (2). Last evaluated 2026-08-01.

Conditions:
Inborn genetic diseases. Identifiers: MedGen C0950123, MeSH D030342.

Allele frequency attached by ClinVar (database versions not stated): ExAC 0.00046; 1000 Genomes Project 30x 0.00156; 1000 Genomes Project 0.00160.
gnomAD v4.1: 330 of 1,614,128 alleles (0.02%); highest among the groups gnomAD compares: South Asian, 0.35%; 4 homozygotes.

Submissions (4):

CeGaT Center for Human Genetics Tuebingen
Classification: Likely benign. Last evaluated: 2026-08-01. Review status: criteria provided, single submitter. Criteria: CeGaT Center For Human Genetics Tuebingen Variant Classification Criteria Version 2. Collection method: clinical testing. Allele origin: germline. Affected: yes. Observed: 1 variant allele.
Comment: PCNT: BP4

Labcorp Genetics (formerly Invitae), Labcorp
Classification: Benign. Last evaluated: 2024-02-17. Review status: criteria provided, single submitter. Criteria: Invitae Variant Classification Sherloc (09022015). Collection method: clinical testing. Allele origin: germline.

Blueprint Genetics
Classification: Likely benign. Last evaluated: 2023-07-04. Review status: criteria provided, single submitter. Criteria: ACMG Guidelines, 2015. Collection method: clinical testing. Allele origin: germline.

Ambry Genetics
Classification: Uncertain significance for Inborn genetic diseases. Last evaluated: 2022-05-27. Review status: criteria provided, single submitter. Criteria: Ambry Variant Classification Scheme 2023. Collection method: clinical testing. Allele origin: germline.